The following is an entry in ClinVar:

ClinVar aggregate classification (germline): Uncertain significance (1 of 4 stars; one submission).

Conditions:
Hereditary cancer-predisposing syndrome. Also called: Neoplastic Syndromes, Hereditary; Tumor predisposition; Hereditary Cancer Syndrome; Hereditary neoplastic syndrome. Identifiers: Orphanet 140162, MedGen C0027672, MeSH D009386, MONDO:0015356.

Allele frequency attached by ClinVar (database versions not stated): ExAC 0.00001.

Submission:

Ambry Genetics
Classification: Uncertain significance for Hereditary cancer-predisposing syndrome. Last evaluated: 2022-05-16. Review status: criteria provided, single submitter. Criteria: Ambry Variant Classification Scheme 2023. Collection method: clinical testing. Allele origin: germline.
Comment: The p.I15V variant (also known as c.43A>G), located in coding exon 2 of the MRE11A gene, results from an A to G substitution at nucleotide position 43. The isoleucine at codon 15 is replaced by valine, an amino acid with highly similar properties. This amino acid position is conserved. In addition, the in silico prediction for this alteration is inconclusive. Since supporting evidence is limited at this time, the clinical significance of this alteration remains unclear.

NM_005591.4(MRE11):c.43A>G (p.Ile15Val)

Gene: MRE11 (MRE11 double strand break repair nuclease; minus strand). Cytogenetic location: 11q21.
Variant type: single nucleotide variant.
Coding change: c.43A>G on transcript NM_005591.4 (MANE Select); coding-DNA position 43, A replaced by G.
Protein change: p.Ile15Val; replaces isoleucine 15 with valine.
Molecular consequence: missense variant.
Genome position (GRCh38, 1-based): chr11:94,490,943, T>C on the plus strand (A>G on the coding strand, the complement: MRE11 is on the minus strand). VCF-style: chr11-94490943-T-C. GRCh37 (hg19) VCF-style: chr11-94224109-T-C.
Other names: c.43A>G, p.Ile15Val (NM_001330347.2, NM_005590.4); short protein forms I15V.
Identifiers: ClinVar variation 1800022 (VCV001800022.2), dbSNP rs778229721, ClinGen allele CA6235467.